The following is an entry in ClinVar:

ClinVar aggregate classification (germline): Uncertain significance. Review status: criteria provided, multiple submitters, no conflicts (2 of 4 stars). 2 submissions from 2 submitters: Uncertain significance (2). Last evaluated 2024-04-22.

Conditions:
Hereditary cancer-predisposing syndrome. Also called: Neoplastic Syndromes, Hereditary; Tumor predisposition; Hereditary neoplastic syndrome; Hereditary Cancer Syndrome. Identifiers: Orphanet 140162, MedGen C0027672, MeSH D009386, MONDO:0015356.

Submissions (2):

Labcorp Genetics (formerly Invitae), Labcorp
Classification: Uncertain significance for Hereditary cancer-predisposing syndrome. Last evaluated: 2024-04-22. Review status: criteria provided, single submitter. Criteria: Invitae Variant Classification Sherloc (09022015). Collection method: clinical testing. Allele origin: germline.
Comment: This sequence change replaces valine, which is neutral and non-polar, with leucine, which is neutral and non-polar, at codon 150 of the RAD50 protein (p.Val150Leu). This variant is not present in population databases (gnomAD no frequency). This variant has not been reported in the literature in individuals affected with RAD50-related conditions. ClinVar contains an entry for this variant (Variation ID: 824935). Advanced modeling of protein sequence and biophysical properties (such as structural, functional, and spatial information, amino acid conservation, physicochemical variation, residue mobility, and thermodynamic stability) performed at Invitae indicates that this missense variant is expected to disrupt RAD50 protein function with a positive predictive value of 80%. In summary, the available evidence is currently insufficient to determine the role of this variant in disease. Therefore, it has been classified as a Variant of Uncertain Significance.

Ambry Genetics
Classification: Uncertain significance for Hereditary cancer-predisposing syndrome. Last evaluated: 2023-11-15. Review status: criteria provided, single submitter. Criteria: Ambry Variant Classification Scheme 2023. Collection method: clinical testing. Allele origin: germline.
Comment: The p.V150L variant (also known as c.448G>C), located in coding exon 4 of the RAD50 gene, results from a G to C substitution at nucleotide position 448. The valine at codon 150 is replaced by leucine, an amino acid with highly similar properties. This amino acid position is highly conserved in available vertebrate species. In addition, the in silico prediction for this alteration is inconclusive. Since supporting evidence is limited at this time, the clinical significance of this alteration remains unclear.

NM_005732.4(RAD50):c.448G>C (p.Val150Leu)

Gene: RAD50 (RAD50 double strand break repair protein; plus strand). Cytogenetic location: 5q31.1.
Variant type: single nucleotide variant.
Coding change: c.448G>C on transcript NM_005732.4 (MANE Select); coding-DNA position 448, G replaced by C.
Protein change: p.Val150Leu; replaces valine 150 with leucine.
Molecular consequence: missense variant.
Genome position (GRCh38, 1-based): chr5:132,579,399, G>C. VCF-style: chr5-132579399-G-C. GRCh37 (hg19) VCF-style: chr5-131915091-G-C.
Other names: short protein forms V150L.
Identifiers: ClinVar variation 824935 (VCV000824935.12), dbSNP rs1580987224, ClinGen allele CA360934092.
Genomic context (GRCh38, chr5:132,579,399, plus strand): 5'-AGCTCTAAGTGTGCAGAAATTGACCGAGAAATGATCAGTTCTCTTGGGGTTTCCAAGGCT[G>C]TGCTAAATAATGTCATTTTCTGTCATCAAGAAGATTCTAATTGGCCTTTAAGTGAAGGAA-3'
Protein context (NP_005723.2, residues 140-160): MISSLGVSKA[Val150Leu]LNNVIFCHQE